The following is an entry in ClinVar:

ClinVar aggregate classification (germline): Uncertain significance (1 of 4 stars; one submission).

gnomAD v4.1: 2 of 1,614,218 alleles (0.00012%); highest among the groups gnomAD compares: African/African-American, 0.0013%; no homozygotes.

Submission:

Dasa
Classification: Uncertain significance. Last evaluated: 2025-06-28. Review status: criteria provided, single submitter. Criteria: DASA Assertion Criteria. Collection method: clinical testing. Allele origin: germline.
Comment: NM_001478.5(B4GALNT1):c.862C>T (p.Arg288Cys) is a missense variant that results in the substitution of arginine with cysteine. This variant has been observed in affected individuals with B4GALNT1-related disorders. Also, this variant is rare in population databases. The currently available literature and clinical evidence are not sufficient to establish a definitive association between this variant and the reported condition. Therefore, this variant is classified as a variant of uncertain significance.

NM_001478.5(B4GALNT1):c.862C>T (p.Arg288Cys)

Gene: B4GALNT1 (beta-1,4-N-acetyl-galactosaminyltransferase 1; minus strand). Cytogenetic location: 12q13.3.
Variant type: single nucleotide variant.
Coding change: c.862C>T on transcript NM_001478.5 (MANE Select); coding-DNA position 862, C replaced by T.
Protein change: p.Arg288Cys; replaces arginine 288 with cysteine.
Molecular consequence: missense variant. On other transcripts: 5 prime UTR variant (4).
Genome position (GRCh38, 1-based): chr12:57,628,853, G>A on the plus strand (C>T on the coding strand, the complement: B4GALNT1 is on the minus strand). VCF-style: chr12-57628853-G-A. GRCh37 (hg19) VCF-style: chr12-58022636-G-A.
Other names: c.697C>T, p.Arg233Cys (NM_001413978.1, NM_001276468.2); c.862C>T, p.Arg288Cys (NM_001413979.1, NM_001413980.1, NM_001413967.1 and 7 more transcripts); c.-126C>T (NM_001413981.1, NM_001413982.1, NM_001413983.1 and 1 more transcripts); c.763C>T, p.Arg255Cys (NM_001413977.1); short protein forms R233C, R255C, R288C.
Identifiers: ClinVar variation 4885691 (VCV004885691.2).
Genomic context (GRCh38, chr12:57,628,853, plus strand): 5'-CGGTAACCGTTGGGTAGAAGCGGCGGATACTGGTGATGAGAGCCCGTAGCCGATCATAAC[G>A]GAGGAAGGTCTTGGTGGCAATCGTGACTAGAGCGCTGATGTTGTACTGGGCTGAGATTGG-3'
Protein context (NP_001469.1, residues 278-298): LVTIATKTFL[Arg288Cys]YDRLRALITS